The following is an entry in ClinVar:

NM_032578.4(MYPN):c.781_784del (p.Tyr261fs)

Gene: MYPN (myopalladin; plus strand). Cytogenetic location: 10q21.3.
Variant type: Deletion.
Coding change: c.781_784del on transcript NM_032578.4 (MANE Select); coding-DNA positions 781 to 784, 4 bases deleted (TATG; older notation c.781_784delTATG).
Protein change: p.Tyr261fs; shifts the reading frame from tyrosine 261.
Molecular consequence: frameshift variant. On other transcripts: 5 prime UTR variant (1), non-coding transcript variant (1).
Genome position (GRCh38, 1-based): chr10:68,122,219-68,122,222, TATG deleted. VCF-style (leftmost placement, unchanged base first): chr10-68122218-CTATG-C. GRCh37 (hg19) VCF-style: chr10-69881975-CTATG-C.
Other names: c.781_784del, p.Tyr261fs (NM_001256267.2); c.-342_-339del (NM_001256268.2); short protein forms Y261fs.
Identifiers: ClinVar variation 2025137 (VCV002025137.4), dbSNP rs2495467126, ClinGen allele CA2580081728.

ClinVar aggregate classification (germline): Pathogenic (1 of 4 stars; one submission).

Conditions:
Dilated cardiomyopathy 1KK (CMD1KK). Identifiers: Orphanet 154, Orphanet 75249, MedGen C3714995, MONDO:0014100, OMIM 615248.

Submission:

Labcorp Genetics (formerly Invitae), Labcorp
Classification: Pathogenic for Dilated cardiomyopathy 1KK. Last evaluated: 2022-08-20. Review status: criteria provided, single submitter. Criteria: Invitae Variant Classification Sherloc (09022015). Collection method: clinical testing. Allele origin: germline.
Comment: For these reasons, this variant has been classified as Pathogenic. This variant has not been reported in the literature in individuals affected with MYPN-related conditions. This variant is not present in population databases (gnomAD no frequency). This sequence change creates a premature translational stop signal (p.Tyr261Lysfs*30) in the MYPN gene. It is expected to result in an absent or disrupted protein product. Loss-of-function variants in MYPN are known to be pathogenic (PMID: 28017374).

Literature cited by the submitters: PubMed 28017374.